The following is an entry in ClinVar:

NM_000161.3(GCH1):c.509+2T>A

Gene: GCH1 (GTP cyclohydrolase 1; minus strand). Cytogenetic location: 14q22.2.
Variant type: single nucleotide variant.
Coding change: c.509+2T>A on transcript NM_000161.3 (MANE Select); the canonical splice donor site of the intron after coding-DNA position 509, T replaced by A.
Molecular consequence: splice donor variant.
Genome position (GRCh38, 1-based): chr14:54,859,679, A>T on the plus strand (T>A on the coding strand, the complement: GCH1 is on the minus strand). VCF-style: chr14-54859679-A-T. GRCh37 (hg19) VCF-style: chr14-55326397-A-T.
Other names: c.215+2T>A (NM_001424105.1); c.509+2T>A (NM_001424104.1, NM_001024071.2, NM_001024070.2 and 1 more transcripts).
Identifiers: ClinVar variation 3760881 (VCV003760881.2).

ClinVar aggregate classification (germline): Likely pathogenic (1 of 4 stars; one submission).

Conditions:
GTP cyclohydrolase I deficiency. Identifiers: MedGen C0268467, MONDO:0100184.
Dystonia 5 (DRD). Also called: DYSTONIA, PROGRESSIVE, WITH DIURNAL VARIATION; DYSTONIA-PARKINSONISM WITH DIURNAL FLUCTUATION; Dystonia, DOPA-responsive, with or without hyperphenylalaninemia; GTP Cyclohydrolase 1-Deficient Dopa-Responsive Dystonia; DYT-GCH1. Identifiers: Orphanet 98808, MedGen C1851920, MONDO:0007495, OMIM 128230.

Submission:

Labcorp Genetics (formerly Invitae), Labcorp
Classification: Likely pathogenic for GTP cyclohydrolase I deficiency; Dystonia 5. Last evaluated: 2025-07-21. Review status: criteria provided, single submitter. Criteria: Invitae Variant Classification Sherloc (09022015). Collection method: clinical testing. Allele origin: germline.
Comment: This sequence change affects a donor splice site in intron 3 of the GCH1 gene. It is expected to disrupt RNA splicing. Variants that disrupt the donor or acceptor splice site typically lead to a loss of protein function (PMID: 16199547), and loss-of-function variants in GCH1 are known to be pathogenic (PMID: 9667588, 19332422, 19491146, 25557619). This variant is not present in population databases (gnomAD no frequency). Disruption of this splice site has been observed in individual(s) with dystonia (PMID: 31213404). ClinVar contains an entry for this variant (Variation ID: 3760881). Algorithms developed to predict the effect of sequence changes on RNA splicing suggest that this variant may disrupt the consensus splice site. In summary, the currently available evidence indicates that the variant is pathogenic, but additional data are needed to prove that conclusively. Therefore, this variant has been classified as Likely Pathogenic.

Literature cited by the submitters: PubMed 16199547; PubMed 9667588; PubMed 19332422; PubMed 19491146; PubMed 25557619; PubMed 31213404.